The following is an entry in ClinVar:

NM_001165963.4(SCN1A):c.1212A>G (p.Val404=)

Gene: SCN1A (sodium voltage-gated channel alpha subunit 1; minus strand). Cytogenetic location: 2q24.3.
Variant type: single nucleotide variant.
Coding change: c.1212A>G on transcript NM_001165963.4 (MANE Select); coding-DNA position 1212, A replaced by G.
Protein change: p.Val404=; no amino-acid change (valine 404 retained).
Molecular consequence: synonymous variant. On other transcripts: 5 prime UTR variant (1), non-coding transcript variant (1).
Genome position (GRCh38, 1-based): chr2:166,046,935, T>C on the plus strand (A>G on the coding strand, the complement: SCN1A is on the minus strand). VCF-style: chr2-166046935-T-C. GRCh37 (hg19) VCF-style: chr2-166903445-T-C.
Other names: p.Val404=; c.1212A>G, p.Val404= (NM_001353948.2, NM_001353949.2, NM_001353950.2 and 10 more transcripts); c.-1214A>G (NM_001353961.2); c.1212A>G (NM_001165963.3).
Identifiers: ClinVar variation 36751 (VCV000036751.36), dbSNP rs7580482, ClinGen allele CA147169.

ClinVar aggregate classification (germline): Benign. Review status: criteria provided, multiple submitters, no conflicts (2 of 4 stars). 15 submissions from 14 submitters: Benign (13). 2 of the submissions do not count toward it. Last evaluated 2026-02-04.

Conditions:
Early-infantile DEE. Also called: Early infantile epileptic encephalopathy with suppression bursts; Early infantile epileptic encephalopathy; Ohtahara syndrome. Identifiers: Orphanet 1934, MedGen C0393706, MONDO:0800491.
Inborn genetic diseases. Identifiers: MedGen C0950123, MeSH D030342.
Generalized epilepsy with febrile seizures plus, type 2 (GEFSP2). Also called: GEFS+, TYPE 2. Identifiers: Orphanet 36387, MedGen C1858673, MONDO:0011461, OMIM 604403.
Migraine, familial hemiplegic, 3. Identifiers: Orphanet 569, MedGen C1864987, MONDO:0012320, OMIM 609634.
Severe myoclonic epilepsy in infancy (DRVT). Also called: Dravet syndrome; DEVELOPMENTAL AND EPILEPTIC ENCEPHALOPATHY 6A; Severe Myoclonic Epilepsy in Infancy (SMEI); SEVERE MYOCLONIC EPILEPSY OF INFANCY; Epileptic encephalopathy, early infantile, 6 (Dravet syndrome). Identifiers: Orphanet 33069, MedGen C0751122, MONDO:0100135, OMIM 607208.

Allele frequency attached by ClinVar (database versions not stated): ESP Exome Variant Server 0.63963; TOPMed 0.65929; gnomAD 0.66162 and 0.66695; 1000 Genomes Project 30x 0.70144; ExAC 0.70339; gnomAD exomes 0.70780; 1000 Genomes Project 0.70927.
gnomAD v4.1: 1,117,692 of 1,613,478 alleles (69%); highest among the groups gnomAD compares: East Asian, 89%; 389,946 homozygotes.

Submissions (15):

Labcorp Genetics (formerly Invitae), Labcorp
Classification: Benign for Early-infantile DEE. Last evaluated: 2026-02-04. Review status: criteria provided, single submitter. Criteria: Invitae Variant Classification Sherloc (09022015). Collection method: clinical testing. Allele origin: germline.

ARUP Laboratories, Molecular Genetics and Genomics, ARUP Laboratories
Classification: Benign. Last evaluated: 2025-07-17. Review status: criteria provided, single submitter. Criteria: ARUP Molecular Germline Variant Investigation Process 2024. Collection method: clinical testing. Allele origin: germline.

Blueprint Genetics
Classification: Benign. Last evaluated: 2024-11-26. Review status: criteria provided, single submitter. Criteria: ACMG Guidelines, 2015. Collection method: clinical testing. Allele origin: germline.

Unidad de Genómica Garrahan, Hospital de Pediatría Garrahan
Classification: Benign. Last evaluated: 2024-07-15. Review status: criteria provided, single submitter. Criteria: ACMG Guidelines, 2015. Collection method: clinical testing. Allele origin: germline. Affected: no. Observed: 83 variant alleles.
Comment: This variant is classified as Benign based on local population frequency. This variant was detected in 89% of patients studied in a panel designed for Epileptic and Developmental Encephalopathy and Progressive Myoclonus Epilepsy. Number of patients: 83. Only high quality variants are reported.

Athena Diagnostics
Classification: Benign. Last evaluated: 2021-03-18. Review status: criteria provided, single submitter. Criteria: Athena Diagnostics Criteria. Collection method: clinical testing. Allele origin: unknown.

Mayo Clinic Laboratories, Mayo Clinic
Classification: Benign. Last evaluated: 2018-04-13. Review status: criteria provided, single submitter. Criteria: ACMG Guidelines, 2015. Collection method: clinical testing. Allele origin: germline. Observed: 703 variant alleles.

Illumina Laboratory Services, Illumina
Classification: Benign for Migraine, familial hemiplegic, 3. Last evaluated: 2018-01-13. Review status: criteria provided, single submitter. Criteria: ICSL Variant Classification Criteria 13 December 2019. Collection method: clinical testing. Allele origin: germline.
Comment: This variant was observed in the ICSL laboratory as part of a predisposition screen in an ostensibly healthy population. It had not been previously curated by ICSL or reported in the Human Gene Mutation Database (HGMD: prior to June 1st, 2018), and was therefore a candidate for classification through an automated scoring system. Utilizing variant allele frequency, disease prevalence and penetrance estimates, and inheritance mode, an automated score was calculated to assess if this variant is too frequent to cause the disease. Based on the score and internal cut-off values, a variant classified as benign is not then subjected to further curation. The score for this variant resulted in a classification of benign for this disease.

Illumina Laboratory Services, Illumina
Classification: Benign for Generalized epilepsy with febrile seizures plus, type 2. Last evaluated: 2018-01-13. Review status: criteria provided, single submitter. Criteria: ICSL Variant Classification Criteria 13 December 2019. Collection method: clinical testing. Allele origin: germline.
Comment: the same text as in the submission from Illumina Laboratory Services, Illumina above.

Eurofins Ntd Llc (ga)
Classification: Benign. Last evaluated: 2016-02-12. Review status: criteria provided, single submitter. Criteria: EGL Classification Definitions 2015. Collection method: clinical testing. Allele origin: germline. Observed: 150 variant alleles, 78 heterozygotes, 72 homozygotes.

Ambry Genetics
Classification: Benign for Inborn genetic diseases. Last evaluated: 2015-12-31. Review status: criteria provided, single submitter. Criteria: Ambry Variant Classification Scheme 2023. Collection method: clinical testing. Allele origin: germline.

GeneDx
Classification: Benign. Last evaluated: 2015-03-03. Review status: criteria provided, single submitter. Criteria: GeneDx Variant Classification Process June 2021. Collection method: clinical testing. Allele origin: germline. Affected: yes.

Breakthrough Genomics
Classification: Benign. Review status: criteria provided, single submitter. Criteria: ACMG Guidelines, 2015. Collection method: not provided. Allele origin: germline. Inheritance: Autosomal dominant inheritance. Affected: yes.

PreventionGenetics, part of Exact Sciences
Classification: Benign. Review status: criteria provided, single submitter. Criteria: ACMG Guidelines, 2015. Collection method: clinical testing. Allele origin: germline.

Women's Health and Genetics/Laboratory Corporation of America, LabCorp
Classification: Benign for Severe myoclonic epilepsy in infancy. Last evaluated: 2011-08-21. Review status: no assertion criteria provided. Collection method: clinical testing. Allele origin: germline. Not counted in ClinVar's aggregate classification.

Genetic Services Laboratory, University of Chicago
Classification: Likely benign for AllHighlyPenetrant. Review status: no assertion criteria provided. Collection method: clinical testing. Allele origin: germline. Inheritance: Autosomal dominant inheritance. Not counted in ClinVar's aggregate classification.
Comment: Likely benign based on allele frequency in 1000 Genomes Project or ESP global frequency and its presence in a patient with a rare or unrelated disease phenotype. NOT Sanger confirmed.